The following is an entry in ClinVar:

ClinVar aggregate classification (germline): Uncertain significance. Review status: criteria provided, multiple submitters, no conflicts (2 of 4 stars). 3 submissions from 3 submitters: Uncertain significance (3). Last evaluated 2025-10-09.

Conditions:
Hereditary cancer-predisposing syndrome. Also called: Neoplastic Syndromes, Hereditary; Hereditary neoplastic syndrome; Hereditary Cancer Syndrome; Tumor predisposition. Identifiers: Orphanet 140162, MedGen C0027672, MeSH D009386, MONDO:0015356.
Gastrointestinal stromal tumor. Also called: Gastrointestinal stromal tumor, somatic; Gastrointestinal stroma tumor. Identifiers: Orphanet 44890, MedGen C0238198, MeSH D046152, MONDO:0011719, OMIM 606764, HP:0100723.

Allele frequency attached by ClinVar (database versions not stated): gnomAD exomes below 0.00001; gnomAD 0.00002 and 0.00003; TOPMed 0.00002.
gnomAD v4.1: 4 of 1,613,692 alleles (0.00025%); highest among the groups gnomAD compares: African/African-American, 0.0053%; no homozygotes.

Submissions (3):

Labcorp Genetics (formerly Invitae), Labcorp
Classification: Uncertain significance for Gastrointestinal stromal tumor. Last evaluated: 2025-10-09. Review status: criteria provided, single submitter. Criteria: Invitae Variant Classification Sherloc (09022015). Collection method: clinical testing. Allele origin: germline.
Comment: This sequence change replaces phenylalanine, which is neutral and non-polar, with leucine, which is neutral and non-polar, at codon 681 of the KIT protein (p.Phe681Leu). This variant is present in population databases (no rsID available, gnomAD 0.01%). This variant has not been reported in the literature in individuals affected with KIT-related conditions. ClinVar contains an entry for this variant (Variation ID: 237253). An algorithm developed to predict the effect of missense changes on protein structure and function (PolyPhen-2) suggests that this variant is likely to be disruptive. In summary, the available evidence is currently insufficient to determine the role of this variant in disease. Therefore, it has been classified as a Variant of Uncertain Significance.

Ambry Genetics
Classification: Uncertain significance for Hereditary cancer-predisposing syndrome. Last evaluated: 2023-11-10. Review status: criteria provided, single submitter. Criteria: Ambry Variant Classification Scheme 2023. Collection method: clinical testing. Allele origin: germline.
Comment: The p.F681L variant (also known as c.2043T>G), located in coding exon 14 of the KIT gene, results from a T to G substitution at nucleotide position 2043. The phenylalanine at codon 681 is replaced by leucine, an amino acid with highly similar properties. This amino acid position is conserved. In addition, the in silico prediction for this alteration is inconclusive. Since supporting evidence is limited at this time, the clinical significance of this alteration remains unclear.

Genetic Services Laboratory, University of Chicago
Classification: Uncertain significance. Last evaluated: 2020-07-24. Review status: criteria provided, single submitter. Criteria: ACMG Guidelines, 2015. Collection method: clinical testing. Allele origin: germline. Affected: no.
Comment: DNA sequence analysis of the KIT gene demonstrated a sequence change, c.2043T>G, in exon 14 that results in an amino acid change, p.Phe681Leu. This sequence change does not appear to have been previously described in patients with KIT-related disorders and has been described in the gnomAD database in one individual, with a low overall population frequency of 0.003% (dbSNP rs878853763). The p.Phe681Leu change affects a highly conserved amino acid residue located in a domain of the KIT protein that is known to be functional. The p.Phe681Leu substitution appears to be deleterious using several in-silico pathogenicity prediction tools (SIFT, PolyPhen2, MutationTaster, REVEL). Due to the lack of functional studies, the clinical significance of the p.Phe681Leu change remains unknown at this time.

NM_000222.3(KIT):c.2043T>G (p.Phe681Leu)

Gene: KIT (KIT proto-oncogene, receptor tyrosine kinase; plus strand). Cytogenetic location: 4q12.
Variant type: single nucleotide variant.
Coding change: c.2043T>G on transcript NM_000222.3 (MANE Select); coding-DNA position 2043, T replaced by G.
Protein change: p.Phe681Leu; replaces phenylalanine 681 with leucine.
Molecular consequence: missense variant.
Genome position (GRCh38, 1-based): chr4:54,729,387, T>G. VCF-style: chr4-54729387-T-G. GRCh37 (hg19) VCF-style: chr4-55595553-T-G.
Other names: c.2031T>G, p.Phe677Leu (NM_001093772.2, NM_001385286.1); c.2046T>G, p.Phe682Leu (NM_001385284.1, NM_001385290.1); c.2043T>G, p.Phe681Leu (NM_001385285.1); c.2034T>G, p.Phe678Leu (NM_001385288.1, NM_001385292.1); short protein forms F681L, F677L, F678L, F682L.
Identifiers: ClinVar variation 237253 (VCV000237253.14), dbSNP rs878853763, ClinGen allele CA10582263.